The following is an entry in ClinVar:

NM_001009944.3(PKD1):c.12178C>T (p.Gln4060Ter)

Gene: PKD1 (polycystin 1, transient receptor potential channel interacting; minus strand). Cytogenetic location: 16p13.3.
Variant type: single nucleotide variant.
Coding change: c.12178C>T on transcript NM_001009944.3 (MANE Select); coding-DNA position 12178, C replaced by T.
Protein change: p.Gln4060Ter; replaces glutamine 4060 with a stop codon.
Molecular consequence: nonsense.
Genome position (GRCh38, 1-based): chr16:2,090,551, G>A on the plus strand (C>T on the coding strand, the complement: PKD1 is on the minus strand). VCF-style: chr16-2090551-G-A. GRCh37 (hg19) VCF-style: chr16-2140552-G-A.
Other names: c.12175C>T, p.Gln4059Ter (NM_000296.4); short protein forms Q4059*, Q4060*.
Identifiers: ClinVar variation 997169 (VCV000997169.3), dbSNP rs2091450305, ClinGen allele CA394326562.
Genomic context (GRCh38, chr16:2,090,551, plus strand): 5'-AGGACTCGGCAGGACACAGGGTAGAGAGCCCAGTCCCAGGGCACAGCACCAACAGGGCCT[G>A]GGCCACGCTCCAGAGGGAGTCCACACAGGAAGACACGAGCTGCGGGGAAGGCGACACCAG-3'

ClinVar aggregate classification (germline): Pathogenic. Review status: criteria provided, multiple submitters, no conflicts (2 of 4 stars). 3 submissions from 3 submitters: Pathogenic (2). 1 of the submissions does not count toward it. Last evaluated 2026-05-08.

Conditions:
Polycystic kidney disease. Also called: Polycystic kidney dysplasia; Kidney, Polycystic. Identifiers: MedGen C0022680, MeSH D007690, MONDO:0020642, HP:0000113.
Polycystic kidney disease, adult type (PKD1). Also called: POLYCYSTIC KIDNEY DISEASE, ADULT, TYPE I; Polycystic Kidney Disease 1, Autosomal Dominant; Polycystic kidney disease 1; Polycystic kidney disease 1, severe; Polycystic Kidney, Autosomal Dominant; POLYCYSTIC KIDNEY DISEASE 1 WITH OR WITHOUT POLYCYSTIC LIVER DISEASE. Identifiers: MedGen C3149841, MONDO:0008263, OMIM 173900.

Submissions (3):

Women's Health and Genetics/Laboratory Corporation of America, LabCorp
Classification: Pathogenic for Polycystic kidney disease, adult type. Last evaluated: 2026-05-08. Review status: criteria provided, single submitter. Criteria: LabCorp Variant Classification Summary - May 2015. Collection method: clinical testing. Allele origin: germline.
Comment: Variant summary: PKD1 c.12178C>T (p.Gln4060X) results in a premature termination codon, predicted to cause a truncation of the encoded protein or absence of the protein due to nonsense mediated decay, which are commonly known mechanisms for disease. The frequency data for this variant in gnomAD is considered unreliable, as metrics indicate poor data quality at this position. c.12178C>T has been observed in individual(s) affected with Polycystic Kidney Disease 1 (e.g., Neumann_2013). The following publication has been ascertained in the context of this evaluation (PMID: 23300259). ClinVar contains an entry for this variant (Variation ID: 997169). Based on the evidence outlined above, the variant was classified as pathogenic.

(GEEPAD) Grupo de Estudio de la Enfermedad Poliquística Autosómica Dominante, Hospitales Universitarios Virgen de las Nieves y San Cecilio (Granada)
Classification: Pathogenic for Polycystic kidney disease, adult type. Last evaluated: 2022-08-03. Review status: criteria provided, single submitter. Criteria: ACMG Guidelines, 2015. Collection method: clinical testing. Allele origin: germline. Affected: yes. Observed: 1 variant allele.

Department of Pathology and Laboratory Medicine, Sinai Health System
Classification: Pathogenic for Polycystic Kidney disease. Review status: no assertion criteria provided. Collection method: clinical testing. Allele origin: unknown. Affected: yes. Study: The Canadian Open Genetics Repository (COGR). Not counted in ClinVar's aggregate classification.
Comment: The PKD1 p.Gln4060X variant was not identified in the literature nor was it identified in dbSNP, 1000 Genomes Project, NHLBI GO Exome Sequencing Project , the Exome Aggregation Consortium database (August 8, 2016) Clinvitae, ClinVar, GeneInsight COGR, MutDB, ADPKD Mutation Database, PKD1-LOVD, and PKD1-LOVD 3.0. The p.Gln4060X variant leads to a premature stop codon at position 4060, which is predicted to lead to a truncated or absent protein and loss of function. Loss of function variants of the PKD1 gene are an established mechanism of disease in autosomal dominant polycystic kidney disease and is the type of variant expected to cause the disorder. It is important to note that many frameshift variants have been reported downstream of this variant in the PKD mutation database and elsewhere. In summary, based on the above information, this variant meets our laboratoryâ€šÃ„Ã´s criteria to be classified as pathogenic.

Literature cited by the submitters: PubMed 23300259 (cited by Women's Health and Genetics/Laboratory Corporation of America, LabCorp).